The following is an entry in ClinVar:

NM_024675.4(PALB2):c.3113+2T>C

Gene: PALB2 (partner and localizer of BRCA2; minus strand). Cytogenetic location: 16p12.2.
Variant type: single nucleotide variant.
Coding change: c.3113+2T>C on transcript NM_024675.4 (MANE Select); the canonical splice donor site of the intron after coding-DNA position 3113, T replaced by C.
Molecular consequence: splice donor variant. On other transcripts: intron variant (1).
Genome position (GRCh38, 1-based): chr16:23,621,360, A>G on the plus strand (T>C on the coding strand, the complement: PALB2 is on the minus strand). VCF-style: chr16-23621360-A-G. GRCh37 (hg19) VCF-style: chr16-23632681-A-G.
Other names: c.1325+2T>C (NM_001407313.1, NM_001407312.1); c.3053+2T>C (NM_001407296.1); c.3041+2T>C (NM_001407297.1); c.2951+2T>C (NM_001407302.1, NM_001407298.1); c.2834+2649T>C (NM_001407300.1); c.3113+2T>C (NM_001407299.1, NM_001407301.1); c.2066+2T>C (NM_001407307.1); c.2228+2T>C (NM_001407309.1, NM_001407311.1, NM_001407305.1 and 4 more transcripts); and 1 more.
Identifiers: ClinVar variation 4130304 (VCV004130304.1).

ClinVar aggregate classification (germline): Uncertain significance (1 of 4 stars; one submission).

Conditions:
Hereditary cancer-predisposing syndrome. Also called: Hereditary neoplastic syndrome; Neoplastic Syndromes, Hereditary; Tumor predisposition; Hereditary Cancer Syndrome. Identifiers: Orphanet 140162, MedGen C0027672, MeSH D009386, MONDO:0015356.

Submission:

Ambry Genetics
Classification: Uncertain significance for Hereditary cancer-predisposing syndrome. Last evaluated: 2025-08-05. Review status: criteria provided, single submitter. Criteria: Ambry Variant Classification Scheme 2023. Collection method: clinical testing. Allele origin: germline.
Comment: The c.3113+2T>C intronic variant results from a T to C substitution two nucleotides after coding exon 10 in the PALB2 gene. This nucleotide position is highly conserved in available vertebrate species. In silico splice site analysis predicts that this alteration will weaken the native splice donor site; however, direct evidence is insufficient at this time (Ambry internal data). Alterations that disrupt the canonical splice site are expected to cause aberrant splicing, resulting in an abnormal protein or a transcript that is subject to nonsense-mediated mRNA decay; however, +2T>C alterations are capable of generating wild-type transcripts in some genomic contexts and should be interpreted with caution (Lin JH et al. Hum Mutat. 2019 10;40:1856-1873). Based on the available evidence, the clinical significance of this alteration remains unclear.